The following is an entry in ClinVar:

ClinVar aggregate classification (germline): Uncertain significance (1 of 4 stars; one submission).

Conditions:
Familial sleep-related hypermotor epilepsy. Also called: Autosomal Dominant Sleep-Related Hypermotor (Hyperkinetic) Epilepsy. Identifiers: Orphanet 98784, MedGen C3696898, MONDO:0000030.

Submission:

Labcorp Genetics (formerly Invitae), Labcorp
Classification: Uncertain significance. Last evaluated: 2022-09-20. Review status: criteria provided, single submitter. Criteria: Invitae Variant Classification Sherloc (09022015). Collection method: clinical testing. Allele origin: germline.
Comment: In summary, the available evidence is currently insufficient to determine the role of this variant in disease. Therefore, it has been classified as a Variant of Uncertain Significance. Advanced modeling of protein sequence and biophysical properties (such as structural, functional, and spatial information, amino acid conservation, physicochemical variation, residue mobility, and thermodynamic stability) performed at Invitae indicates that this missense variant is expected to disrupt CHRNA4 protein function. This variant has not been reported in the literature in individuals affected with CHRNA4-related conditions. This variant is not present in population databases (gnomAD no frequency). This sequence change replaces glycine, which is neutral and non-polar, with tryptophan, which is neutral and slightly polar, at codon 131 of the CHRNA4 protein (p.Gly131Trp).

NM_000744.7(CHRNA4):c.391G>T (p.Gly131Trp)

Gene: CHRNA4 (cholinergic receptor nicotinic alpha 4 subunit; minus strand). Cytogenetic location: 20q13.33.
Variant type: single nucleotide variant.
Coding change: c.391G>T on transcript NM_000744.7 (MANE Select); coding-DNA position 391, G replaced by T.
Protein change: p.Gly131Trp; replaces glycine 131 with tryptophan.
Molecular consequence: missense variant. On other transcripts: 5 prime UTR variant (1), non-coding transcript variant (1).
Genome position (GRCh38, 1-based): chr20:63,351,020, C>A on the plus strand (G>T on the coding strand, the complement: CHRNA4 is on the minus strand). VCF-style: chr20-63351020-C-A. GRCh37 (hg19) VCF-style: chr20-61982372-C-A.
Other names: c.-138G>T (NM_001256573.2); short protein forms G131W.
Identifiers: ClinVar variation 1715684 (VCV001715684.5), dbSNP rs759269817, ClinGen allele CA409638914.